The following is an entry in ClinVar:

NM_000179.3(MSH6):c.1597G>T (p.Glu533Ter)

Gene: MSH6 (mutS homolog 6; plus strand). Cytogenetic location: 2p16.3.
Variant type: single nucleotide variant.
Coding change: c.1597G>T on transcript NM_000179.3 (MANE Select); coding-DNA position 1597, G replaced by T.
Protein change: p.Glu533Ter; replaces glutamic acid 533 with a stop codon.
Molecular consequence: nonsense. On other transcripts: non-coding transcript variant (4), intron variant (1).
Genome position (GRCh38, 1-based): chr2:47,799,580, G>T. VCF-style: chr2-47799580-G-T. GRCh37 (hg19) VCF-style: chr2-48026719-G-T.
Other names: c.1207G>T, p.Glu403Ter (NM_001281492.2); c.691G>T, p.Glu231Ter (NM_001281493.2, NM_001281494.2, NM_001406811.1 and 6 more transcripts); c.1693G>T, p.Glu565Ter (NM_001406795.1, NM_001406802.1); c.1597G>T, p.Glu533Ter (NM_001406796.1, NM_001406798.1, NM_001406800.1 and 4 more transcripts); c.1300G>T, p.Glu434Ter (NM_001406797.1, NM_001406801.1, NM_001406805.1 and 10 more transcripts); c.1072G>T, p.Glu358Ter (NM_001406799.1, NM_001406806.1, NM_001406807.1); c.1519G>T, p.Glu507Ter (NM_001406804.1); c.1603G>T, p.Glu535Ter (NM_001406813.1); and 2 more; short protein forms E231*, E358*, E403*, E434*, E477*, E507*, E533*, E535*.
Identifiers: ClinVar variation 2673788 (VCV002673788.1), dbSNP rs1553412979, ClinGen allele CA346746936.

ClinVar aggregate classification (germline): Pathogenic (1 of 4 stars; one submission).

Conditions:
Lynch syndrome 5 (LYNCH5). Also called: Colorectal cancer, hereditary nonpolyposis, type 5; Hereditary non-polyposis colorectal cancer, type 5. Identifiers: Orphanet 144, MedGen C1833477, MONDO:0013710, OMIM 614350. Disease mechanism: loss of function.

Submission:

Myriad Genetics, Inc.
Classification: Pathogenic for Lynch syndrome 5. Last evaluated: 2023-08-15. Review status: criteria provided, single submitter. Criteria: Myriad Autosomal Dominant, Autosomal Recessive and X-Linked Classification Criteria (2023). Collection method: clinical testing. Allele origin: unknown.
Comment: This variant is considered pathogenic. This variant creates a termination codon and is predicted to result in premature protein truncation.